The following is an entry in ClinVar:

NM_030943.4(AMN):c.1086G>A (p.Ala362=)

Genes: AMN (amnion associated transmembrane protein; plus strand), LOC130056554 (ATAC-STARR-seq lymphoblastoid silent region 6136; plus strand). Cytogenetic location: 14q32.32.
Variant type: single nucleotide variant.
Coding change: c.1086G>A on transcript NM_030943.4 (MANE Select); coding-DNA position 1086, G replaced by A.
Protein change: p.Ala362=; no amino-acid change (alanine 362 retained).
Molecular consequence: synonymous variant.
Genome position (GRCh38, 1-based): chr14:102,930,244, G>A. VCF-style: chr14-102930244-G-A. GRCh37 (hg19) VCF-style: chr14-103396581-G-A.
Identifiers: ClinVar variation 617973 (VCV000617973.23), dbSNP rs959195796, ClinGen allele CA7360060.

ClinVar aggregate classification (germline): Likely benign. Review status: criteria provided, multiple submitters, no conflicts (2 of 4 stars). 3 submissions from 3 submitters: Likely benign (3). Last evaluated 2025-05-01.

Conditions:
Imerslund-Grasbeck syndrome. Also called: Imerslund-Gräsbeck syndrome; PERNICIOUS ANEMIA, JUVENILE, DUE TO SELECTIVE INTESTINAL MALABSORPTION OF VITAMIN B12, WITH PROTEINURIA; Megaloblastic anemia due to inborn errors of metabolism; ENTEROCYTE COBALAMIN MALABSORPTION; ENTEROCYTE INTRINSIC FACTOR RECEPTOR, DEFECT OF. Identifiers: Orphanet 35858, MedGen C4551825, MONDO:0009853.

Allele frequency attached by ClinVar (database versions not stated): ExAC below 0.00001; gnomAD 0.00014 and 0.00015; TOPMed 0.00016; gnomAD exomes 0.00019 and 0.00041.
gnomAD v4.1: 525 of 1,382,680 alleles (0.038%); highest among the groups gnomAD compares: Non-Finnish European, 0.047%; no homozygotes.

Submissions (3):

CeGaT Center for Human Genetics Tuebingen
Classification: Likely benign. Last evaluated: 2025-05-01. Review status: criteria provided, single submitter. Criteria: CeGaT Center For Human Genetics Tuebingen Variant Classification Criteria Version 2. Collection method: clinical testing. Allele origin: germline. Affected: yes. Observed: 1 variant allele.
Comment: AMN: BP4, BP7

Labcorp Genetics (formerly Invitae), Labcorp
Classification: Likely benign for Imerslund-Grasbeck syndrome. Last evaluated: 2025-01-23. Review status: criteria provided, single submitter. Criteria: Invitae Variant Classification Sherloc (09022015). Collection method: clinical testing. Allele origin: germline.

ARUP Laboratories, Molecular Genetics and Genomics, ARUP Laboratories
Classification: Likely benign. Last evaluated: 2018-04-11. Review status: criteria provided, single submitter. Criteria: ARUP Molecular Germline Variant Investigation Process. Collection method: clinical testing. Allele origin: germline.
Comment: The c.1086G>A; p.Ala362Ala variant (rs959195796) does not alter the amino acid sequence of the AMN protein and computational splice site prediction algorithms do not predict a change in the nearest splice site or creation of a cryptic splice site. This variant has not been reported in medical literature or in gene specific variation databases. This variant is listed in the genome Aggregation Database (gnomAD) with a non-Finnish European population frequency of 0.04% (identified on 14 out of 35,242 chromosomes). Based on the available information, the c.1086G>A variant is likely to be benign.